The following is an entry in ClinVar:

ClinVar aggregate classification (germline): Uncertain significance. Review status: criteria provided, multiple submitters, no conflicts (2 of 4 stars). 3 submissions from 3 submitters: Uncertain significance (3). Last evaluated 2024-09-05.

Submissions (3):

GeneDx
Classification: Uncertain significance. Last evaluated: 2024-09-05. Review status: criteria provided, single submitter. Criteria: GeneDx Variant Classification Process June 2021. Collection method: clinical testing. Allele origin: germline. Affected: yes.
Comment: Not observed at significant frequency in large population cohorts (gnomAD); In silico analysis indicates that this missense variant does not alter protein structure/function; Has not been previously published as pathogenic or benign to our knowledge

Blueprint Genetics
Classification: Uncertain significance. Last evaluated: 2023-11-24. Review status: criteria provided, single submitter. Criteria: ACMG Guidelines, 2015. Collection method: clinical testing. Allele origin: germline.

Labcorp Genetics (formerly Invitae), Labcorp
Classification: Uncertain significance. Last evaluated: 2021-08-28. Review status: criteria provided, single submitter. Criteria: Invitae Variant Classification Sherloc (09022015). Collection method: clinical testing. Allele origin: germline.
Comment: This sequence change replaces tryptophan with arginine at codon 67 of the KCNV2 protein (p.Trp67Arg). The tryptophan residue is moderately conserved and there is a moderate physicochemical difference between tryptophan and arginine. This variant is present in population databases (rs543226684, ExAC 0.005%). This variant has not been reported in the literature in individuals affected with KCNV2-related conditions. Advanced modeling of protein sequence and biophysical properties (such as structural, functional, and spatial information, amino acid conservation, physicochemical variation, residue mobility, and thermodynamic stability) performed at Invitae indicates that this missense variant is not expected to disrupt KCNV2 protein function. In summary, the available evidence is currently insufficient to determine the role of this variant in disease. Therefore, it has been classified as a Variant of Uncertain Significance.

NM_133497.4(KCNV2):c.199T>A (p.Trp67Arg)

Gene: KCNV2 (potassium voltage-gated channel modifier subfamily V member 2; plus strand). Cytogenetic location: 9p24.2.
Variant type: single nucleotide variant.
Coding change: c.199T>A on transcript NM_133497.4 (MANE Select); coding-DNA position 199, T replaced by A.
Protein change: p.Trp67Arg; replaces tryptophan 67 with arginine.
Molecular consequence: missense variant.
Genome position (GRCh38, 1-based): chr9:2,717,938, T>A. VCF-style: chr9-2717938-T-A. GRCh37 (hg19) VCF-style: chr9-2717938-T-A.
Other names: c.199T>A (NM_133497.3); short protein forms W67R.
Identifiers: ClinVar variation 1396328 (VCV001396328.7), dbSNP rs543226684, ClinGen allele CA4965363.
Genomic context (GRCh38, chr9:2,717,938, plus strand): 5'-ACAGAGGGCAACTATAACTACTACATCGAGGAAGACGAAGACGGCGAGGAGGAGGACCAG[T>A]GGAAGGACGACCTGGCAGAAGAGGACCAGCAGGCAGGGGAGGTCACCACCGCCAAGCCCG-3'
Protein context (NP_598004.1, residues 57-77): EDEDGEEEDQ[Trp67Arg]KDDLAEEDQQ